The following is an entry in ClinVar:

NM_000487.5(ARSA):c.-714C>T

Gene: ARSA (arylsulfatase A; minus strand). Cytogenetic location: 22q13.33.
Variant type: single nucleotide variant.
Coding change: c.-714C>T on transcript NM_000487.5; 714 bases upstream of the start codon, C replaced by T.
Genome position (GRCh38, 1-based): chr22:50,628,493, G>A on the plus strand (C>T on the coding strand, the complement: ARSA is on the minus strand). VCF-style: chr22-50628493-G-A. GRCh37 (hg19) VCF-style: chr22-51066921-G-A.
Identifiers: ClinVar variation 672054 (VCV000672054.3), dbSNP rs131715, ClinGen allele CA14933309.

ClinVar aggregate classification (germline): Benign (1 of 4 stars; one submission).

Allele frequency attached by ClinVar (database versions not stated): 1000 Genomes Project 30x 0.28420; TOPMed 0.31831; gnomAD 0.33343 and 0.33443; 1000 Genomes Project 0.28794.

Submission:

GeneDx
Classification: Benign. Last evaluated: 2018-06-19. Review status: criteria provided, single submitter. Criteria: GeneDx Variant Classification (06012015). Collection method: clinical testing. Allele origin: germline. Affected: yes.
Comment: This variant is considered likely benign or benign based on one or more of the following criteria: it is a conservative change, it occurs at a poorly conserved position in the protein, it is predicted to be benign by multiple in silico algorithms, and/or has population frequency not consistent with disease.